The following is an entry in ClinVar:

NM_000548.5(TSC2):c.1443+7G>A

Gene: TSC2 (TSC complex subunit 2; plus strand). Cytogenetic location: 16p13.3.
Variant type: single nucleotide variant.
Coding change: c.1443+7G>A on transcript NM_000548.5 (MANE Select); 7 bases into the intron after coding-DNA position 1443, G replaced by A.
Molecular consequence: intron variant.
Genome position (GRCh38, 1-based): chr16:2,063,060, G>A. VCF-style: chr16-2063060-G-A. GRCh37 (hg19) VCF-style: chr16-2113061-G-A.
Other names: c.1443+7G>A (NM_001114382.3, NM_021055.3, NM_001370405.1 and 3 more transcripts); c.1332+7G>A (NM_001318827.2); c.843+7G>A (NM_001318831.2); c.1296+7G>A (NM_001318829.2); c.1476+7G>A (NM_001318832.2).
Identifiers: ClinVar variation 467873 (VCV000467873.12), dbSNP rs950216832, ClinGen allele CA276778149.

ClinVar aggregate classification (germline): Likely benign. Review status: criteria provided, multiple submitters, no conflicts (2 of 4 stars). 2 submissions from 2 submitters: Likely benign (2). Last evaluated 2025-12-05.

Conditions:
Tuberous sclerosis 2 (TSC2). Identifiers: Orphanet 805, MedGen C1860707, MONDO:0013199, OMIM 613254.

Allele frequency attached by ClinVar (database versions not stated): gnomAD 0.00001.

Submissions (2):

Labcorp Genetics (formerly Invitae), Labcorp
Classification: Likely benign for Tuberous sclerosis 2. Last evaluated: 2025-12-05. Review status: criteria provided, single submitter. Criteria: Invitae Variant Classification Sherloc (09022015). Collection method: clinical testing. Allele origin: germline.

Myriad Genetics, Inc.
Classification: Likely benign for Tuberous sclerosis 2. Last evaluated: 2025-05-14. Review status: criteria provided, single submitter. Criteria: Myriad Autosomal Dominant, Autosomal Recessive and X-Linked Classification Criteria (2023). Collection method: clinical testing. Allele origin: unknown.
Comment: This variant is considered likely benign. This variant is intronic and is not expected to impact mRNA splicing.